The following is an entry in ClinVar:

ClinVar aggregate classification (germline): Uncertain significance (1 of 4 stars; one submission).

Conditions:
Long QT syndrome (LQTS). Identifiers: MedGen C0023976, MeSH D008133, MONDO:0002442. Disease mechanism: loss of function. Inheritance: Various modes of inheritance.

Allele frequency attached by ClinVar (database versions not stated): ExAC 0.00001; gnomAD 0.00001; gnomAD exomes 0.00001 and 0.00002; TOPMed 0.00002; 1000 Genomes Project 30x 0.00016.
gnomAD v4.1: 6 of 1,613,880 alleles (0.00037%); highest among the groups gnomAD compares: East Asian, 0.011%; no homozygotes.

Submission:

Labcorp Genetics (formerly Invitae), Labcorp
Classification: Uncertain significance for Long QT syndrome. Last evaluated: 2020-08-07. Review status: criteria provided, single submitter. Criteria: Invitae Variant Classification Sherloc (09022015). Collection method: clinical testing. Allele origin: germline.
Comment: In summary, the available evidence is currently insufficient to determine the role of this variant in disease. Therefore, it has been classified as a Variant of Uncertain Significance. Algorithms developed to predict the effect of missense changes on protein structure and function are either unavailable or do not agree on the potential impact of this missense change (SIFT: "Tolerated"; PolyPhen-2: "Probably Damaging"; Align-GVGD: "Class C0"). This variant has been observed in individual(s) with autism/developmental delay (PMID: 30564305). The frequency data for this variant in the population databases is considered unreliable, as metrics indicate poor data quality at this position in the ExAC database. This sequence change replaces methionine with isoleucine at codon 3070 of the ANK2 protein (p.Met3070Ile). The methionine residue is weakly conserved and there is a small physicochemical difference between methionine and isoleucine.

Literature cited by the submitters: PubMed 30564305.

NM_001148.6(ANK2):c.9210G>A (p.Met3070Ile)

Gene: ANK2 (ankyrin 2; plus strand). Cytogenetic location: 4q26.
Variant type: single nucleotide variant.
Coding change: c.9210G>A on transcript NM_001148.6 (MANE Select); coding-DNA position 9210, G replaced by A.
Protein change: p.Met3070Ile; replaces methionine 3070 with isoleucine.
Molecular consequence: missense variant. On other transcripts: intron variant (68).
Genome position (GRCh38, 1-based): chr4:113,357,828, G>A. VCF-style: chr4-113357828-G-A. GRCh37 (hg19) VCF-style: chr4-114278984-G-A.
Other names: c.8976G>A, p.Met2992Ile (NM_001386142.1); c.5610G>A, p.Met1870Ile (NM_001386166.1); c.9351G>A, p.Met3117Ile (NM_001386174.1); c.9327G>A, p.Met3109Ile (NM_001386175.1); c.4412-2995G>A (NM_001386186.2, NM_001386148.2); c.4214-2995G>A (NM_001354269.3); c.4292-2995G>A (NM_001386187.2); c.4253-2995G>A (NM_001386147.1); and 35 more; short protein forms M1870I, M2992I, M3070I, M3109I, M3117I.
Identifiers: ClinVar variation 1020840 (VCV001020840.5), dbSNP rs750360259, ClinGen allele CA3051884.
Genomic context (GRCh38, chr4:113,357,828, plus strand): 5'-AGACGATGAAGCCTTTGAGGCTCGTGTGAAAGAGGAAGAACAAAAGATATTTGGTTTGAT[G>A]GTAGACAGACAATCACAGGGTACCACCCCTGACACCACTCCTGCTAGGACCCCAACTGAA-3'
Protein context (NP_001139.3, residues 3060-3080): KEEEQKIFGL[Met3070Ile]VDRQSQGTTP